The following is an entry in ClinVar:

ClinVar aggregate classification (germline): Uncertain significance (1 of 4 stars; one submission).

Conditions:
MHC class II deficiency. Also called: Bare lymphocyte syndrome 2; BLS, TYPE II. Identifiers: Orphanet 572, MedGen C5447452, MONDO:0008855.

Allele frequency attached by ClinVar (database versions not stated): gnomAD 0.00001; TOPMed 0.00001; gnomAD exomes 0.00003; ExAC 0.00005; ESP Exome Variant Server 0.00008.
gnomAD v4.1: 40 of 1,614,104 alleles (0.0025%); highest among the groups gnomAD compares: Non-Finnish European, 0.0033%; no homozygotes.

Submission:

Labcorp Genetics (formerly Invitae), Labcorp
Classification: Uncertain significance for MHC class II deficiency. Last evaluated: 2022-08-23. Review status: criteria provided, single submitter. Criteria: Invitae Variant Classification Sherloc (09022015). Collection method: clinical testing. Allele origin: germline.
Comment: This sequence change replaces glutamic acid, which is acidic and polar, with lysine, which is basic and polar, at codon 929 of the CIITA protein (p.Glu929Lys). This variant is present in population databases (rs367890193, gnomAD 0.007%). This variant has not been reported in the literature in individuals affected with CIITA-related conditions. Algorithms developed to predict the effect of missense changes on protein structure and function (SIFT, PolyPhen-2, Align-GVGD) all suggest that this variant is likely to be tolerated. In summary, the available evidence is currently insufficient to determine the role of this variant in disease. Therefore, it has been classified as a Variant of Uncertain Significance.

NM_000246.4(CIITA):c.2785G>A (p.Glu929Lys)

Gene: CIITA (class II major histocompatibility complex transactivator; plus strand). Cytogenetic location: 16p13.13.
Variant type: single nucleotide variant.
Coding change: c.2785G>A on transcript NM_000246.4 (MANE Select); coding-DNA position 2785, G replaced by A.
Protein change: p.Glu929Lys; replaces glutamic acid 929 with lysine.
Molecular consequence: missense variant.
Genome position (GRCh38, 1-based): chr16:10,909,156, G>A. VCF-style: chr16-10909156-G-A. GRCh37 (hg19) VCF-style: chr16-11003013-G-A.
Other names: c.2788G>A, p.Glu930Lys (NM_001286402.1, NM_001379332.1); c.1033G>A, p.Glu345Lys (NM_001286403.2); c.2641G>A, p.Glu881Lys (NM_001379330.1); c.2638G>A, p.Glu880Lys (NM_001379331.1); c.2785G>A, p.Glu929Lys (NM_001379333.1); c.2716G>A, p.Glu906Lys (NM_001379334.1); short protein forms E345K, E906K, E929K, E930K, E881K, E880K.
Identifiers: ClinVar variation 2142808 (VCV002142808.1), dbSNP rs367890193, ClinGen allele CA7900489.